The following is an entry in ClinVar:

ClinVar aggregate classification (germline): Uncertain significance. Review status: criteria provided, multiple submitters, no conflicts (2 of 4 stars). 2 submissions from 2 submitters: Uncertain significance (2). Last evaluated 2025-03-13.

Conditions:
Early-infantile DEE. Also called: Early infantile epileptic encephalopathy with suppression bursts; Early infantile epileptic encephalopathy; Ohtahara syndrome. Identifiers: Orphanet 1934, MedGen C0393706, MONDO:0800491.

Submissions (2):

GeneDx
Classification: Uncertain significance. Last evaluated: 2025-03-13. Review status: criteria provided, single submitter. Criteria: GeneDx Variant Classification Process June 2021. Collection method: clinical testing. Allele origin: germline. Affected: yes.
Comment: Not observed at significant frequency in large population cohorts (gnomAD); In silico analysis indicates that this missense variant does not alter protein structure/function; This substitution is predicted to be within the C-terminal cytoplasmic domain; Has not been previously published as pathogenic or benign to our knowledge

Labcorp Genetics (formerly Invitae), Labcorp
Classification: Uncertain significance for Early-infantile DEE. Last evaluated: 2023-08-30. Review status: criteria provided, single submitter. Criteria: Invitae Variant Classification Sherloc (09022015). Collection method: clinical testing. Allele origin: germline.
Comment: This sequence change replaces threonine, which is neutral and polar, with arginine, which is basic and polar, at codon 653 of the KCNQ2 protein (p.Thr653Arg). This variant is not present in population databases (gnomAD no frequency). This variant has not been reported in the literature in individuals affected with KCNQ2-related conditions. An algorithm developed to predict the effect of missense changes on protein structure and function (PolyPhen-2) suggests that this variant is likely to be disruptive. In summary, the available evidence is currently insufficient to determine the role of this variant in disease. Therefore, it has been classified as a Variant of Uncertain Significance.

NM_172107.4(KCNQ2):c.1958C>G (p.Thr653Arg)

Gene: KCNQ2 (potassium voltage-gated channel subfamily Q member 2; minus strand). Cytogenetic location: 20q13.33.
Variant type: single nucleotide variant.
Coding change: c.1958C>G on transcript NM_172107.4 (MANE Select); coding-DNA position 1958, C replaced by G.
Protein change: p.Thr653Arg; replaces threonine 653 with arginine.
Molecular consequence: missense variant.
Genome position (GRCh38, 1-based): chr20:63,407,305, G>C on the plus strand (C>G on the coding strand, the complement: KCNQ2 is on the minus strand). VCF-style: chr20-63407305-G-C. GRCh37 (hg19) VCF-style: chr20-62038658-G-C.
Other names: c.1958C>G (NM_172107.2); c.2012C>G, p.Thr671Arg (NM_001382235.1); c.1874C>G, p.Thr625Arg (NM_004518.6); c.1904C>G, p.Thr635Arg (NM_172106.3); c.1865C>G, p.Thr622Arg (NM_172108.5); short protein forms T622R, T625R, T635R, T671R, T653R.
Identifiers: ClinVar variation 2955261 (VCV002955261.4), dbSNP rs2516104368, ClinGen allele CA409639336.